The following is an entry in ClinVar:

NM_001374828.1(ARID1B):c.628C>T (p.Gln210Ter)

Genes: ARID1B (AT-rich interaction domain 1B; plus strand), LOC115308161 (uncharacterized LOC115308161; minus strand). Cytogenetic location: 6q25.3.
Variant type: single nucleotide variant.
Coding change: c.628C>T on transcript NM_001374828.1 (MANE Select); coding-DNA position 628, C replaced by T.
Protein change: p.Gln210Ter; replaces glutamine 210 with a stop codon.
Molecular consequence: nonsense. On other transcripts: non-coding transcript variant (1).
Genome position (GRCh38, 1-based): chr6:156,778,308, C>T. VCF-style: chr6-156778308-C-T. GRCh37 (hg19) VCF-style: chr6-157099442-C-T.
Other names: c.379C>T (NM_020732.3); c.628C>T, p.Gln210Ter (NM_001371656.1, NM_001374820.1, NM_017519.3); short protein forms Q210*.
Identifiers: ClinVar variation 3361362 (VCV003361362.3).

ClinVar aggregate classification (germline): Uncertain significance (1 of 4 stars; one submission).

Submission:

GeneDx
Classification: Uncertain significance. Last evaluated: 2026-10-10. Review status: criteria provided, single submitter. Criteria: GeneDx Variant Classification Process June 2021. Collection method: clinical testing. Allele origin: germline.
Comment: Nonsense variant predicted to result in protein truncation or nonsense mediated decay in a gene or region of a gene for which loss of function is not a well-established mechanism of disease; Not observed at significant frequency in large population cohorts (gnomAD); Has not been previously published as pathogenic or benign to our knowledge